The following is an entry in ClinVar:

NM_003126.4(SPTA1):c.3377A>G (p.Asp1126Gly)

Gene: SPTA1 (spectrin alpha, erythrocytic 1; minus strand). Cytogenetic location: 1q23.1.
Variant type: single nucleotide variant.
Coding change: c.3377A>G on transcript NM_003126.4 (MANE Select); coding-DNA position 3377, A replaced by G.
Protein change: p.Asp1126Gly; replaces aspartic acid 1126 with glycine.
Molecular consequence: missense variant.
Genome position (GRCh38, 1-based): chr1:158,651,467, T>C on the plus strand (A>G on the coding strand, the complement: SPTA1 is on the minus strand). VCF-style: chr1-158651467-T-C. GRCh37 (hg19) VCF-style: chr1-158621257-T-C.
Other names: short protein forms D1126G.
Identifiers: ClinVar variation 2998491 (VCV002998491.3), dbSNP rs1652428324, ClinGen allele CA343036880.

ClinVar aggregate classification (germline): Uncertain significance (1 of 4 stars; one submission).

Allele frequency attached by ClinVar (database versions not stated): TOPMed below 0.00001.
gnomAD v4.1: 1 of 1,604,812 alleles (0.000062%); highest among the groups gnomAD compares: Non-Finnish European, 0.000085%; no homozygotes.

Submission:

Labcorp Genetics (formerly Invitae), Labcorp
Classification: Uncertain significance. Last evaluated: 2023-10-05. Review status: criteria provided, single submitter. Criteria: Invitae Variant Classification Sherloc (09022015). Collection method: clinical testing. Allele origin: germline.
Comment: This sequence change replaces aspartic acid, which is acidic and polar, with glycine, which is neutral and non-polar, at codon 1126 of the SPTA1 protein (p.Asp1126Gly). This variant is not present in population databases (gnomAD no frequency). This variant has not been reported in the literature in individuals affected with SPTA1-related conditions. An algorithm developed to predict the effect of missense changes on protein structure and function (PolyPhen-2) suggests that this variant is likely to be disruptive. In summary, the available evidence is currently insufficient to determine the role of this variant in disease. Therefore, it has been classified as a Variant of Uncertain Significance.